The following is an entry in ClinVar:

ClinVar aggregate classification (germline): Uncertain significance (1 of 4 stars; one submission).

Conditions:
Severe combined immunodeficiency due to IKK2 deficiency. Also called: Immunodeficiency 15; IMMUNODEFICIENCY 15B. Identifiers: Orphanet 397787, MedGen C4747743, MONDO:0014267, OMIM 615592.

Submission:

Labcorp Genetics (formerly Invitae), Labcorp
Classification: Uncertain significance for Severe combined immunodeficiency due to IKK2 deficiency. Last evaluated: 2023-02-18. Review status: criteria provided, single submitter. Criteria: Invitae Variant Classification Sherloc (09022015). Collection method: clinical testing. Allele origin: germline.
Comment: This variant has not been reported in the literature in individuals affected with IKBKB-related conditions. Algorithms developed to predict the effect of sequence changes on RNA splicing suggest that this variant may disrupt the consensus splice site. In summary, the available evidence is currently insufficient to determine the role of this variant in disease. Therefore, it has been classified as a Variant of Uncertain Significance. This variant is not present in population databases (gnomAD no frequency). This sequence change falls in intron 15 of the IKBKB gene. It does not directly change the encoded amino acid sequence of the IKBKB protein.

NM_001556.3(IKBKB):c.1578+11C>A

Gene: IKBKB (inhibitor of nuclear factor kappa B kinase subunit beta; plus strand). Cytogenetic location: 8p11.21.
Variant type: single nucleotide variant.
Coding change: c.1578+11C>A on transcript NM_001556.3 (MANE Select); 11 bases into the intron after coding-DNA position 1578, C replaced by A.
Molecular consequence: intron variant.
Genome position (GRCh38, 1-based): chr8:42,319,657, C>A. VCF-style: chr8-42319657-C-A. GRCh37 (hg19) VCF-style: chr8-42177175-C-A.
Other names: c.1401+11C>A (NM_001242778.2); c.1386+11C>A (NM_001190720.3).
Identifiers: ClinVar variation 2793713 (VCV002793713.3), dbSNP rs2487698098, ClinGen allele CA2739279971.